The following is an entry in ClinVar:

NM_032119.4(ADGRV1):c.12297G>A (p.Gln4099=)

Gene: ADGRV1 (adhesion G protein-coupled receptor V1; plus strand). Cytogenetic location: 5q14.3.
Variant type: single nucleotide variant.
Coding change: c.12297G>A on transcript NM_032119.4 (MANE Select); coding-DNA position 12297, G replaced by A.
Protein change: p.Gln4099=; no amino-acid change (glutamine 4099 retained).
Molecular consequence: synonymous variant. On other transcripts: non-coding transcript variant (1).
Genome position (GRCh38, 1-based): chr5:90,774,197, G>A. VCF-style: chr5-90774197-G-A. GRCh37 (hg19) VCF-style: chr5-90070014-G-A.
Identifiers: ClinVar variation 3372715 (VCV003372715.1).

ClinVar aggregate classification (germline): Uncertain significance (1 of 4 stars; one submission).

gnomAD v4.1: 3 of 1,601,500 alleles (0.00019%); highest among the groups gnomAD compares: South Asian, 0.0011%; no homozygotes.

Submission:

GeneDx
Classification: Uncertain significance. Last evaluated: 2024-04-26. Review status: criteria provided, single submitter. Criteria: GeneDx Variant Classification Process June 2021. Collection method: clinical testing. Allele origin: germline. Affected: yes.
Comment: Not observed at significant frequency in large population cohorts (gnomAD); In silico analysis indicates that this variant does not alter splicing; Has not been previously published as pathogenic or benign to our knowledge